The following is an entry in ClinVar:

ClinVar aggregate classification (germline): Conflicting classifications of pathogenicity. Review status: criteria provided, conflicting classifications (1 of 4 stars). 2 submissions from 1 submitter: Uncertain significance (1); Likely benign (1). Last evaluated 2018-01-13.

Conditions:
Susceptibility to mononeuropathy of the median nerve, mild. Also called: CARPAL TUNNEL SYNDROME, SUSCEPTIBILITY TO. Identifiers: MedGen C3150596, MONDO:0013237, OMIM 613353.
Charcot-Marie-Tooth disease type 4C (CMT4C). Also called: CHARCOT-MARIE-TOOTH DISEASE, DEMYELINATING, TYPE 4C; SH3TC2-Related Hereditary Motor and Sensory Neuropathy; Charcot-Marie-Tooth Neuropathy Type 4C (CMT4C); CHARCOT-MARIE-TOOTH DISEASE, DEMYELINATING, AUTOSOMAL RECESSIVE, TYPE 4C; CMT 4C. Identifiers: Orphanet 99949, MedGen C1866636, MONDO:0011113, OMIM 601596.

Allele frequency attached by ClinVar (database versions not stated): gnomAD 0.00146 and 0.00160; 1000 Genomes Project 30x 0.00156; 1000 Genomes Project 0.00160; TOPMed 0.00171.
gnomAD v4.1: 220 of 152,292 alleles (0.14%); highest among the groups gnomAD compares: African/African-American, 0.49%; 2 homozygotes.

Submissions (2):

Illumina Laboratory Services, Illumina
Classification: Likely benign for Susceptibility to mononeuropathy of the median nerve, mild. Last evaluated: 2018-01-13. Review status: criteria provided, single submitter. Criteria: ICSL Variant Classification Criteria 13 December 2019. Collection method: clinical testing. Allele origin: germline.
Comment: This variant was observed in the ICSL laboratory as part of a predisposition screen in an ostensibly healthy population. It had not been previously curated by ICSL or reported in the Human Gene Mutation Database (HGMD: prior to June 1st, 2018), and was therefore a candidate for classification through an automated scoring system. Utilizing variant allele frequency, disease prevalence and penetrance estimates, and inheritance mode, an automated score was calculated to assess if this variant is too frequent to cause the disease. Based on the score and internal cut-off values, a variant classified as likely benign is not then subjected to further curation. The score for this variant resulted in a classification of likely benign for this disease.

Illumina Laboratory Services, Illumina
Classification: Uncertain significance for Charcot-Marie-Tooth disease type 4C. Last evaluated: 2018-01-13. Review status: criteria provided, single submitter. Criteria: ICSL Variant Classification Criteria 13 December 2019. Collection method: clinical testing. Allele origin: germline.

NM_024577.4(SH3TC2):c.*15639A>G

Gene: SH3TC2 (SH3 domain and tetratricopeptide repeats 2; minus strand). Cytogenetic location: 5q32.
Variant type: single nucleotide variant.
Coding change: c.*15639A>G on transcript NM_024577.4 (MANE Select); 15639 bases downstream of the stop codon, A replaced by G.
Molecular consequence: 3 prime UTR variant.
Genome position (GRCh38, 1-based): chr5:148,989,072, T>C on the plus strand (A>G on the coding strand, the complement: SH3TC2 is on the minus strand). VCF-style: chr5-148989072-T-C. GRCh37 (hg19) VCF-style: chr5-148368635-T-C.
Identifiers: ClinVar variation 906123 (VCV000906123.4), dbSNP rs190478262, ClinGen allele CA128986896.